The following is an entry in ClinVar:

ClinVar aggregate classification (germline): Uncertain significance (1 of 4 stars; one submission).

Submission:

Labcorp Genetics (formerly Invitae), Labcorp
Classification: Uncertain significance. Last evaluated: 2021-10-10. Review status: criteria provided, single submitter. Criteria: Invitae Variant Classification Sherloc (09022015). Collection method: clinical testing. Allele origin: germline.
Comment: Algorithms developed to predict the effect of missense changes on protein structure and function (SIFT, PolyPhen-2, Align-GVGD) all suggest that this variant is likely to be tolerated. In summary, the available evidence is currently insufficient to determine the role of this variant in disease. Therefore, it has been classified as a Variant of Uncertain Significance. This variant has not been reported in the literature in individuals affected with MYO5B-related conditions. This sequence change replaces alanine with valine at codon 1367 of the MYO5B protein (p.Ala1367Val). The alanine residue is moderately conserved and there is a small physicochemical difference between alanine and valine. This variant is not present in population databases (ExAC no frequency).

NM_001080467.3(MYO5B):c.4100C>T (p.Ala1367Val)

Gene: MYO5B (myosin VB; minus strand). Cytogenetic location: 18q21.1.
Variant type: single nucleotide variant.
Coding change: c.4100C>T on transcript NM_001080467.3 (MANE Select); coding-DNA position 4100, C replaced by T.
Protein change: p.Ala1367Val; replaces alanine 1367 with valine.
Molecular consequence: missense variant.
Genome position (GRCh38, 1-based): chr18:49,853,570, G>A on the plus strand (C>T on the coding strand, the complement: MYO5B is on the minus strand). VCF-style: chr18-49853570-G-A. GRCh37 (hg19) VCF-style: chr18-47379940-G-A.
Other names: short protein forms A1367V.
Identifiers: ClinVar variation 1524119 (VCV001524119.6), dbSNP rs2144060864, ClinGen allele CA402426775.